The following is an entry in ClinVar:

ClinVar aggregate classification (germline): Uncertain significance (1 of 4 stars; one submission).

Submission:

GeneDx
Classification: Uncertain significance. Last evaluated: 2026-01-27. Review status: criteria provided, single submitter. Criteria: GeneDx Variant Classification Process June 2021. Collection method: clinical testing. Allele origin: germline.
Comment: In silico analysis suggests that this missense variant does not alter protein structure/function; Has not been previously published as pathogenic or benign to our knowledge; This substitution is predicted to be within the C-terminal cytoplasmic domain

NM_172107.4(KCNQ2):c.1313G>C (p.Ser438Thr)

Gene: KCNQ2 (potassium voltage-gated channel subfamily Q member 2; minus strand). Cytogenetic location: 20q13.33.
Variant type: single nucleotide variant.
Coding change: c.1313G>C on transcript NM_172107.4 (MANE Select); coding-DNA position 1313, G replaced by C.
Protein change: p.Ser438Thr; replaces serine 438 with threonine.
Molecular consequence: missense variant. On other transcripts: intron variant (1).
Genome position (GRCh38, 1-based): chr20:63,415,115, C>G on the plus strand (G>C on the coding strand, the complement: KCNQ2 is on the minus strand). VCF-style: chr20-63415115-C-G. GRCh37 (hg19) VCF-style: chr20-62046468-C-G.
Other names: c.1259G>C, p.Ser420Thr (NM_001382235.1, NM_001439003.1, NM_172106.3); c.1229G>C, p.Ser410Thr (NM_001439004.1, NM_004518.6); c.1248-25G>C (NM_172108.5); short protein forms S438T, S410T, S420T.
Identifiers: ClinVar variation 4975780 (VCV004975780.1).